The following is an entry in ClinVar:

NM_020937.4(FANCM):c.3573A>G (p.Gln1191=)

Gene: FANCM (FA complementation group M; plus strand). Cytogenetic location: 14q21.2.
Variant type: single nucleotide variant.
Coding change: c.3573A>G on transcript NM_020937.4 (MANE Select); coding-DNA position 3573, A replaced by G.
Protein change: p.Gln1191=; no amino-acid change (glutamine 1191 retained).
Molecular consequence: synonymous variant.
Genome position (GRCh38, 1-based): chr14:45,176,327, A>G. VCF-style: chr14-45176327-A-G. GRCh37 (hg19) VCF-style: chr14-45645530-A-G.
Other names: c.3495A>G, p.Gln1165= (NM_001308133.2).
Identifiers: ClinVar variation 942180 (VCV000942180.12), dbSNP rs1307778741, ClinGen allele CA486347250.

ClinVar aggregate classification (germline): Likely benign. Review status: criteria provided, multiple submitters, no conflicts (2 of 4 stars). 3 submissions from 3 submitters: Likely benign (3). Last evaluated 2026-05-01.

Conditions:
Inborn genetic diseases. Identifiers: MedGen C0950123, MeSH D030342.
Fanconi anemia (FA). Also called: Fanconi's anemia. Identifiers: Orphanet 84, MedGen C0015625, MeSH D005199, MONDO:0019391.

Allele frequency attached by ClinVar (database versions not stated): gnomAD exomes 0.00001.
gnomAD v4.1: 11 of 1,613,934 alleles (0.00068%); highest among the groups gnomAD compares: Non-Finnish European, 0.00085%; no homozygotes.

Submissions (3):

CeGaT Center for Human Genetics Tuebingen
Classification: Likely benign. Last evaluated: 2026-05-01. Review status: criteria provided, single submitter. Criteria: CeGaT Center For Human Genetics Tuebingen Variant Classification Criteria Version 2. Collection method: clinical testing. Allele origin: germline. Affected: yes. Observed: 1 variant allele.
Comment: FANCM: BP4, BP7

Ambry Genetics
Classification: Likely benign for Inborn genetic diseases. Last evaluated: 2025-06-07. Review status: criteria provided, single submitter. Criteria: Ambry Variant Classification Scheme 2023. Collection method: clinical testing. Allele origin: germline.

Labcorp Genetics (formerly Invitae), Labcorp
Classification: Likely benign for Fanconi anemia. Last evaluated: 2024-06-24. Review status: criteria provided, single submitter. Criteria: Invitae Variant Classification Sherloc (09022015). Collection method: clinical testing. Allele origin: germline.